The following is an entry in ClinVar:

ClinVar aggregate classification (germline): Uncertain significance (1 of 4 stars; one submission).

Submission:

GeneDx
Classification: Uncertain significance. Last evaluated: 2023-06-26. Review status: criteria provided, single submitter. Criteria: GeneDx Variant Classification Process June 2021. Collection method: clinical testing. Allele origin: germline. Affected: yes.
Comment: Not observed at significant frequency in large population cohorts (gnomAD); In-frame insertion of 1 amino acid in a repetitive region with no known function; Has not been previously published as pathogenic or benign to our knowledge

NM_001374828.1(ARID1B):c.1299AGG[3] (p.Gly440_Tyr441insGly)

Gene: ARID1B (AT-rich interaction domain 1B; plus strand). Cytogenetic location: 6q25.3.
Variant type: Microsatellite.
Coding change: c.1299AGG[3] on transcript NM_001374828.1 (MANE Select); three copies in a row of the 3-base unit AGG starting at c.1299; the reference has two copies in a row; one copy, 3 bases duplicated.
Protein change: p.Gly440_Tyr441insGly.
Genome position (GRCh38, 1-based): chr6:156,778,982-156,778,984, AGG duplicated; duplicating any 3 consecutive bases within chr6:156,778,979-156,778,984 gives the same sequence; the position shown is the placement nearest the transcript's 3' end. VCF-style (leftmost placement, unchanged base first): chr6-156778978-C-CAGG. GRCh37 (hg19) VCF-style: chr6-157100112-C-CAGG.
Other names: c.1053_1055dup (NM_020732.3); c.1299AGG[3], p.Gly440_Tyr441insGly (NM_001371656.1, NM_001374820.1, NM_017519.3).
Identifiers: ClinVar variation 3360311 (VCV003360311.1).
Genomic context (GRCh38, chr6:156,778,978, plus strand): 5'-GAGCAGGAGGAGCAGGAGCGGGAGCTGTGGCGGCGGCGGCCGCGGCGGCGGCGGCAGCAG[C>CAGG]AGGAGGCGGCGGCGGCGGCGGCTATGGGGGCTCGTCCGCGGGGTACGGGGTGCTGAGCTC-3'